The following is an entry in ClinVar:

ClinVar aggregate classification (germline): Uncertain significance (1 of 4 stars; one submission).

Conditions:
Hereditary cancer-predisposing syndrome. Also called: Neoplastic Syndromes, Hereditary; Tumor predisposition; Hereditary neoplastic syndrome; Hereditary Cancer Syndrome. Identifiers: Orphanet 140162, MedGen C0027672, MeSH D009386, MONDO:0015356.

Submission:

Ambry Genetics
Classification: Uncertain significance for Hereditary cancer-predisposing syndrome. Last evaluated: 2025-05-07. Review status: criteria provided, single submitter. Criteria: Ambry Variant Classification Scheme 2023. Collection method: clinical testing. Allele origin: germline.
Comment: The p.C1326Y variant (also known as c.3977G>A), located in coding exon 19 of the MET gene, results from a G to A substitution at nucleotide position 3977. The cysteine at codon 1326 is replaced by tyrosine, an amino acid with highly dissimilar properties. This amino acid position is highly conserved in available vertebrate species. In addition, this alteration is predicted to be deleterious by in silico analysis. Based on the available evidence, the clinical significance of this variant remains unclear.

NM_000245.4(MET):c.3923G>A (p.Cys1308Tyr)

Gene: MET (MET proto-oncogene, receptor tyrosine kinase; plus strand). Cytogenetic location: 7q31.2.
Variant type: single nucleotide variant.
Coding change: c.3923G>A on transcript NM_000245.4 (MANE Select); coding-DNA position 3923, G replaced by A.
Protein change: p.Cys1308Tyr; replaces cysteine 1308 with tyrosine.
Molecular consequence: missense variant.
Genome position (GRCh38, 1-based): chr7:116,795,779, G>A. VCF-style: chr7-116795779-G-A. GRCh37 (hg19) VCF-style: chr7-116435833-G-A.
Other names: c.3977G>A, p.Cys1326Tyr (NM_001127500.3); c.2633G>A, p.Cys878Tyr (NM_001324402.2); short protein forms C1308Y, C878Y, C1326Y.
Identifiers: ClinVar variation 4053955 (VCV004053955.1).